The following is an entry in ClinVar:

ClinVar aggregate classification (germline): Uncertain significance. Review status: criteria provided, multiple submitters, no conflicts (2 of 4 stars). 2 submissions from 2 submitters: Uncertain significance (2). Last evaluated 2026-07-13.

Conditions:
Hereditary cancer-predisposing syndrome. Also called: Tumor predisposition; Hereditary Cancer Syndrome; Hereditary neoplastic syndrome; Neoplastic Syndromes, Hereditary. Identifiers: Orphanet 140162, MedGen C0027672, MeSH D009386, MONDO:0015356.
Familial adenomatous polyposis 1 (FAP1). Also called: POLYPOSIS, ADENOMATOUS INTESTINAL; FAMILIAL ADENOMATOUS POLYPOSIS 1, ATTENUATED. Identifiers: MedGen C2713442, MONDO:0021056, OMIM 175100. Disease mechanism: loss of function.

gnomAD v4.1: 1 of 1,612,082 alleles (0.000062%); highest among the groups gnomAD compares: Non-Finnish European, 0.000085%; no homozygotes.

Submissions (2):

Ambry Genetics
Classification: Uncertain significance for Hereditary cancer-predisposing syndrome. Last evaluated: 2026-07-13. Review status: criteria provided, single submitter. Criteria: Ambry Variant Classification Scheme 2023. Collection method: clinical testing. Allele origin: germline.
Comment: The p.G2187R variant (also known as c.6559G>A), located in coding exon 15 of the APC gene, results from a G to A substitution at nucleotide position 6559. The glycine at codon 2187 is replaced by arginine, an amino acid with dissimilar properties. This amino acid position is conserved. In addition, in silico predictors for this gene do not accurately predict pathogenicity. Based on the available evidence, the clinical significance of this variant remains unclear.

Labcorp Genetics (formerly Invitae), Labcorp
Classification: Uncertain significance for Familial adenomatous polyposis 1. Last evaluated: 2024-05-12. Review status: criteria provided, single submitter. Criteria: Invitae Variant Classification Sherloc (09022015). Collection method: clinical testing. Allele origin: germline.
Comment: This sequence change replaces glycine, which is neutral and non-polar, with arginine, which is basic and polar, at codon 2187 of the APC protein (p.Gly2187Arg). This variant is not present in population databases (gnomAD no frequency). This variant has not been reported in the literature in individuals affected with APC-related conditions. ClinVar contains an entry for this variant (Variation ID: 1005518). Advanced modeling of protein sequence and biophysical properties (such as structural, functional, and spatial information, amino acid conservation, physicochemical variation, residue mobility, and thermodynamic stability) performed at Invitae indicates that this missense variant is not expected to disrupt APC protein function with a negative predictive value of 95%. In summary, the available evidence is currently insufficient to determine the role of this variant in disease. Therefore, it has been classified as a Variant of Uncertain Significance.

NM_000038.6(APC):c.6559G>A (p.Gly2187Arg)

Gene: APC (APC regulator of Wnt signaling pathway; plus strand). Cytogenetic location: 5q22.2.
Variant type: single nucleotide variant.
Coding change: c.6559G>A on transcript NM_000038.6 (MANE Select); coding-DNA position 6559, G replaced by A.
Protein change: p.Gly2187Arg; replaces glycine 2187 with arginine.
Molecular consequence: missense variant.
Genome position (GRCh38, 1-based): chr5:112,842,153, G>A. VCF-style: chr5-112842153-G-A. GRCh37 (hg19) VCF-style: chr5-112177850-G-A.
Other names: c.6559G>A (NM_000038.5); c.6559G>A, p.Gly2187Arg (NM_001127510.3, NM_001354895.2); c.6505G>A, p.Gly2169Arg (NM_001127511.3); c.6613G>A, p.Gly2205Arg (NM_001354896.2); c.6589G>A, p.Gly2197Arg (NM_001354897.2); c.6484G>A, p.Gly2162Arg (NM_001354898.2); c.6475G>A, p.Gly2159Arg (NM_001354899.2); c.6436G>A, p.Gly2146Arg (NM_001354900.2); and 6 more; short protein forms G1904R, G2027R, G2061R, G2086R, G2096R, G2128R, G2146R, G2159R.
Identifiers: ClinVar variation 1005518 (VCV001005518.11), dbSNP rs762346476, ClinGen allele CA16035682.
Genomic context (GRCh38, chr5:112,842,153, plus strand): 5'-ATTCTAAAACCAGGGGAGAAAAGTACATTGGAAACTAAAAAGATAGAATCTGAAAGTAAA[G>A]GAATCAAAGGAGGAAAAAAAGTTTATAAAAGTTTGATTACTGGAAAAGTTCGATCTAATT-3'
Protein context (NP_000029.2, residues 2177-2197): ETKKIESESK[Gly2187Arg]IKGGKKVYKS